The following is an entry in ClinVar:

ClinVar aggregate classification (germline): Uncertain significance. Review status: criteria provided, multiple submitters, no conflicts (2 of 4 stars). 2 submissions from 2 submitters: Uncertain significance (2). Last evaluated 2021-09-17.

Allele frequency attached by ClinVar (database versions not stated): ExAC 0.00001; gnomAD 0.00001; gnomAD exomes 0.00001; TOPMed 0.00001.
gnomAD v4.1: 14 of 1,613,944 alleles (0.00087%); highest among the groups gnomAD compares: African/African-American, 0.0027%; no homozygotes.

Submissions (2):

Labcorp Genetics (formerly Invitae), Labcorp
Classification: Uncertain significance. Last evaluated: 2021-09-17. Review status: criteria provided, single submitter. Criteria: Invitae Variant Classification Sherloc (09022015). Collection method: clinical testing. Allele origin: germline.
Comment: This sequence change replaces arginine with cysteine at codon 932 of the ADAMTSL4 protein (p.Arg932Cys). The arginine residue is highly conserved and there is a large physicochemical difference between arginine and cysteine. This variant is present in population databases (rs754566419, ExAC 0.002%). This variant has not been reported in the literature in individuals affected with ADAMTSL4-related conditions. Algorithms developed to predict the effect of missense changes on protein structure and function (SIFT, PolyPhen-2, Align-GVGD) all suggest that this variant is likely to be disruptive. In summary, the available evidence is currently insufficient to determine the role of this variant in disease. Therefore, it has been classified as a Variant of Uncertain Significance.

Breakthrough Genomics
Classification: Uncertain significance. Review status: criteria provided, single submitter. Criteria: ACMG Guidelines, 2015. Collection method: not provided. Allele origin: germline. Inheritance: Autosomal recessive inheritance. Affected: yes.

NM_019032.6(ADAMTSL4):c.2794C>T (p.Arg932Cys)

Gene: ADAMTSL4 (ADAMTS like 4; plus strand). Cytogenetic location: 1q21.2.
Variant type: single nucleotide variant.
Coding change: c.2794C>T on transcript NM_019032.6 (MANE Select); coding-DNA position 2794, C replaced by T.
Protein change: p.Arg932Cys; replaces arginine 932 with cysteine.
Molecular consequence: missense variant.
Genome position (GRCh38, 1-based): chr1:150,559,317, C>T. VCF-style: chr1-150559317-C-T. GRCh37 (hg19) VCF-style: chr1-150531793-C-T.
Other names: c.2677C>T, p.Arg893Cys (NM_001288607.2); c.2863C>T, p.Arg955Cys (NM_001288608.2); c.2794C>T, p.Arg932Cys (NM_001378596.1); short protein forms R955C, R893C, R932C.
Identifiers: ClinVar variation 1445924 (VCV001445924.6), dbSNP rs754566419, ClinGen allele CA1078848.